The following is an entry in ClinVar:

ClinVar aggregate classification (germline): Benign/Likely benign. Review status: criteria provided, multiple submitters, no conflicts (2 of 4 stars). 5 submissions from 5 submitters: Benign (4); Likely benign (1). Last evaluated 2026-02-01.

Conditions:
Oculotrichoanal syndrome (MOTA). Also called: MARLES SYNDROME; Manitoba Oculotrichoanal (MOTA) Syndrome. Identifiers: Orphanet 2717, MedGen C1855425, MONDO:0009560, OMIM 248450.

Allele frequency attached by ClinVar (database versions not stated): gnomAD exomes 0.00321 and 0.00785; ExAC 0.00925; ESP Exome Variant Server 0.02663; gnomAD 0.02757 and 0.02932; TOPMed 0.03165; 1000 Genomes Project 0.03175; 1000 Genomes Project 30x 0.03513.
gnomAD v4.1: 9,136 of 1,613,344 alleles (0.57%); highest among the groups gnomAD compares: African/African-American, 9.4%; 355 homozygotes.

Submissions (5):

Labcorp Genetics (formerly Invitae), Labcorp
Classification: Benign. Last evaluated: 2026-02-01. Review status: criteria provided, single submitter. Criteria: Invitae Variant Classification Sherloc (09022015). Collection method: clinical testing. Allele origin: germline.

Blueprint Genetics
Classification: Likely benign. Last evaluated: 2024-11-27. Review status: criteria provided, single submitter. Criteria: ACMG Guidelines, 2015. Collection method: clinical testing. Allele origin: germline.

GeneDx
Classification: Benign. Last evaluated: 2021-05-05. Review status: criteria provided, single submitter. Criteria: GeneDx Variant Classification Process June 2021. Collection method: clinical testing. Allele origin: germline. Affected: yes.

Illumina Laboratory Services, Illumina
Classification: Benign for Oculotrichoanal syndrome. Last evaluated: 2018-01-13. Review status: criteria provided, single submitter. Criteria: ICSL Variant Classification Criteria 13 December 2019. Collection method: clinical testing. Allele origin: germline.
Comment: This variant was observed in the ICSL laboratory as part of a predisposition screen in an ostensibly healthy population. It had not been previously curated by ICSL or reported in the Human Gene Mutation Database (HGMD: prior to June 1st, 2018), and was therefore a candidate for classification through an automated scoring system. Utilizing variant allele frequency, disease prevalence and penetrance estimates, and inheritance mode, an automated score was calculated to assess if this variant is too frequent to cause the disease. Based on the score and internal cut-off values, a variant classified as benign is not then subjected to further curation. The score for this variant resulted in a classification of benign for this disease.

Breakthrough Genomics
Classification: Benign. Review status: criteria provided, single submitter. Criteria: ACMG Guidelines, 2015. Collection method: not provided. Allele origin: germline. Inheritance: Autosomal recessive inheritance. Affected: yes.

NM_001379081.2(FREM1):c.273T>C (p.Tyr91=)

Gene: FREM1 (FRAS1 related extracellular matrix 1; minus strand). Cytogenetic location: 9p22.3.
Variant type: single nucleotide variant.
Coding change: c.273T>C on transcript NM_001379081.2 (MANE Select); coding-DNA position 273, T replaced by C.
Protein change: p.Tyr91=; no amino-acid change (tyrosine 91 retained).
Molecular consequence: synonymous variant. On other transcripts: non-coding transcript variant (4).
Genome position (GRCh38, 1-based): chr9:14,863,865, A>G on the plus strand (T>C on the coding strand, the complement: FREM1 is on the minus strand). VCF-style: chr9-14863865-A-G. GRCh37 (hg19) VCF-style: chr9-14863863-A-G.
Other names: c.273T>C, p.Tyr91= (NM_001370060.1, NM_001370063.1, NM_001370065.1 and 1 more transcripts).
Identifiers: ClinVar variation 366174 (VCV000366174.17), dbSNP rs61740262, ClinGen allele CA4991633.